The following is an entry in ClinVar:

NM_001903.5(CTNNA1):c.1205T>C (p.Leu402Ser)

Gene: CTNNA1 (catenin alpha 1; plus strand). Cytogenetic location: 5q31.2.
Variant type: single nucleotide variant.
Coding change: c.1205T>C on transcript NM_001903.5 (MANE Select); coding-DNA position 1205, T replaced by C.
Protein change: p.Leu402Ser; replaces leucine 402 with serine.
Molecular consequence: missense variant. On other transcripts: 5 prime UTR variant (5), intron variant (2).
Genome position (GRCh38, 1-based): chr5:138,887,551, T>C. VCF-style: chr5-138887551-T-C. GRCh37 (hg19) VCF-style: chr5-138223240-T-C.
Other names: c.95T>C, p.Leu32Ser (NM_001323999.1, NM_001324001.1, NM_001324004.1 and 18 more transcripts); c.1205T>C, p.Leu402Ser (NM_001290307.3, NM_001323982.2, NM_001323983.1 and 3 more transcripts); c.896T>C, p.Leu299Ser (NM_001290309.3); c.836T>C, p.Leu279Ser (NM_001290310.3); c.-303T>C (NM_001324006.1, NM_001324007.1, NM_001324008.1 and 1 more transcripts); c.-178T>C (NM_001324013.1); c.-58+11954T>C (NM_001324012.1); c.-61+11954T>C (NM_001324010.1); short protein forms L402S, L299S, L32S, L279S.
Identifiers: ClinVar variation 1748705 (VCV001748705.8), dbSNP rs1754343104, ClinGen allele CA361133066.

ClinVar aggregate classification (germline): Uncertain significance. Review status: criteria provided, multiple submitters, no conflicts (2 of 4 stars). 2 submissions from 2 submitters: Uncertain significance (2). Last evaluated 2025-06-14.

Conditions:
Hereditary cancer-predisposing syndrome. Also called: Hereditary Cancer Syndrome; Hereditary neoplastic syndrome; Neoplastic Syndromes, Hereditary; Tumor predisposition. Identifiers: Orphanet 140162, MedGen C0027672, MeSH D009386, MONDO:0015356.

Submissions (2):

Ambry Genetics
Classification: Uncertain significance for Hereditary cancer-predisposing syndrome. Last evaluated: 2025-06-14. Review status: criteria provided, single submitter. Criteria: Ambry Variant Classification Scheme 2023. Collection method: clinical testing. Allele origin: germline.
Comment: The p.L402S variant (also known as c.1205T>C), located in coding exon 8 of the CTNNA1 gene, results from a T to C substitution at nucleotide position 1205. The leucine at codon 402 is replaced by serine, an amino acid with dissimilar properties. This amino acid position is highly conserved in available vertebrate species. In addition, this alteration is predicted to be deleterious by in silico analysis. Since supporting evidence is limited at this time, the clinical significance of this alteration remains unclear.

Labcorp Genetics (formerly Invitae), Labcorp
Classification: Uncertain significance. Last evaluated: 2022-03-20. Review status: criteria provided, single submitter. Criteria: Invitae Variant Classification Sherloc (09022015). Collection method: clinical testing. Allele origin: germline.
Comment: This sequence change replaces leucine, which is neutral and non-polar, with serine, which is neutral and polar, at codon 402 of the CTNNA1 protein (p.Leu402Ser). This variant is not present in population databases (gnomAD no frequency). This variant has not been reported in the literature in individuals affected with CTNNA1-related conditions. Algorithms developed to predict the effect of missense changes on protein structure and function are either unavailable or do not agree on the potential impact of this missense change (SIFT: "Deleterious"; PolyPhen-2: "Possibly Damaging"; Align-GVGD: "Class C0"). In summary, the available evidence is currently insufficient to determine the role of this variant in disease. Therefore, it has been classified as a Variant of Uncertain Significance.